The following is an entry in ClinVar:

ClinVar aggregate classification (germline): Uncertain significance (1 of 4 stars; one submission).

Allele frequency attached by ClinVar (database versions not stated): TOPMed 0.00001; gnomAD 0.00003.
gnomAD v4.1: 7 of 1,614,094 alleles (0.00043%); highest among the groups gnomAD compares: African/African-American, 0.0093%; no homozygotes.

Submission:

Ambry Genetics
Classification: Uncertain significance. Last evaluated: 2024-09-12. Review status: criteria provided, single submitter. Criteria: Ambry Variant Classification Scheme 2023. Collection method: clinical testing. Allele origin: germline.
Comment: The p.D1011E variant (also known as c.3033T>A), located in coding exon 1 of the MLH3 gene, results from a T to A substitution at nucleotide position 3033. The aspartic acid at codon 1011 is replaced by glutamic acid, an amino acid with highly similar properties. This amino acid position is conserved. In addition, this alteration is predicted to be tolerated by in silico analysis. Since supporting evidence is limited at this time, the clinical significance of this alteration remains unclear.

NM_001040108.2(MLH3):c.3033T>A (p.Asp1011Glu)

Gene: MLH3 (mutL homolog 3; minus strand). Cytogenetic location: 14q24.3.
Variant type: single nucleotide variant.
Coding change: c.3033T>A on transcript NM_001040108.2 (MANE Select); coding-DNA position 3033, T replaced by A.
Protein change: p.Asp1011Glu; replaces aspartic acid 1011 with glutamic acid.
Molecular consequence: missense variant.
Genome position (GRCh38, 1-based): chr14:75,046,623, A>T on the plus strand (T>A on the coding strand, the complement: MLH3 is on the minus strand). VCF-style: chr14-75046623-A-T. GRCh37 (hg19) VCF-style: chr14-75513326-A-T.
Other names: c.3033T>A, p.Asp1011Glu (NM_014381.3); short protein forms D1011E.
Identifiers: ClinVar variation 1799069 (VCV001799069.3), dbSNP rs760200108, ClinGen allele CA263647825.
Genomic context (GRCh38, chr14:75,046,623, plus strand): 5'-ACAAGCTCTTGCTTTAGATTCCTCACTCTGAAAACAAATTCCATTTTGGTCACCTGTGGC[A>T]TCTTCTACCGGATTCATTAACATTCCACTGGGAGAGTCAAGACTTCCTATCTGTTGTTCT-3'
Protein context (NP_001035197.1, residues 1001-1021): PSGMLMNPVE[Asp1011Glu]ATGDQNGICF